The following is an entry in ClinVar:

ClinVar aggregate classification (germline): Uncertain significance. Review status: criteria provided, multiple submitters, no conflicts (2 of 4 stars). 2 submissions from 2 submitters: Uncertain significance (2). Last evaluated 2025-04-25.

Conditions:
Inborn genetic diseases. Identifiers: MedGen C0950123, MeSH D030342.
T-cell immunodeficiency, congenital alopecia, and nail dystrophy. Also called: Congenital alopecia and nail dystrophy associated with severe functional T-cell immunodeficiency; Pignata Guarino syndrome. Identifiers: Orphanet 169095, MedGen C1866426, MONDO:0011132, OMIM 601705.

Allele frequency attached by ClinVar (database versions not stated): gnomAD exomes 0.00002 and 0.00006; gnomAD 0.00003; TOPMed 0.00003; ExAC 0.00004; 1000 Genomes Project 30x 0.00016; 1000 Genomes Project 0.00020.
gnomAD v4.1: 28 of 1,614,114 alleles (0.0017%); highest among the groups gnomAD compares: Admixed American, 0.047%; no homozygotes.

Submissions (2):

Ambry Genetics
Classification: Uncertain significance for Inborn genetic diseases. Last evaluated: 2025-04-25. Review status: criteria provided, single submitter. Criteria: Ambry Variant Classification Scheme 2023. Collection method: clinical testing. Allele origin: germline.

Labcorp Genetics (formerly Invitae), Labcorp
Classification: Uncertain significance for T-cell immunodeficiency, congenital alopecia, and nail dystrophy. Last evaluated: 2022-10-05. Review status: criteria provided, single submitter. Criteria: Invitae Variant Classification Sherloc (09022015). Collection method: clinical testing. Allele origin: germline.
Comment: This sequence change replaces histidine, which is basic and polar, with tyrosine, which is neutral and polar, at codon 457 of the FOXN1 protein (p.His457Tyr). This variant is present in population databases (rs201648958, gnomAD 0.05%). This variant has not been reported in the literature in individuals affected with FOXN1-related conditions. ClinVar contains an entry for this variant (Variation ID: 1025942). Advanced modeling of protein sequence and biophysical properties (such as structural, functional, and spatial information, amino acid conservation, physicochemical variation, residue mobility, and thermodynamic stability) performed at Invitae indicates that this missense variant is not expected to disrupt FOXN1 protein function. Algorithms developed to predict the effect of sequence changes on RNA splicing suggest that this variant may create or strengthen a splice site. In summary, the available evidence is currently insufficient to determine the role of this variant in disease. Therefore, it has been classified as a Variant of Uncertain Significance.

NM_001369369.1(FOXN1):c.1369C>T (p.His457Tyr)

Gene: FOXN1 (forkhead box N1; plus strand). Cytogenetic location: 17q11.2.
Variant type: single nucleotide variant.
Coding change: c.1369C>T on transcript NM_001369369.1 (MANE Select); coding-DNA position 1369, C replaced by T.
Protein change: p.His457Tyr; replaces histidine 457 with tyrosine.
Molecular consequence: missense variant.
Genome position (GRCh38, 1-based): chr17:28,534,940, C>T. VCF-style: chr17-28534940-C-T. GRCh37 (hg19) VCF-style: chr17-26861958-C-T.
Other names: c.1369C>T (NM_003593.2); c.1369C>T, p.His457Tyr (NM_003593.3); short protein forms H457Y.
Identifiers: ClinVar variation 1025942 (VCV001025942.3), dbSNP rs201648958, ClinGen allele CA8459508.
Genomic context (GRCh38, chr17:28,534,940, plus strand): 5'-AACCCCCTGCAGGACCTACTTATGGGGCACACACCCTCCTGCTATGGGCAGACATACTTG[C>T]ACCTCTCACCAGGCCTGGCCCCTCCTGGACCCCCGCAGCCATTGTTCCCACAGCCGGACG-3'
Protein context (NP_001356298.1, residues 447-467): TPSCYGQTYL[His457Tyr]LSPGLAPPGP